The following is an entry in ClinVar:

NM_004415.4(DSP):c.3348T>A (p.Tyr1116Ter)

Gene: DSP (desmoplakin; plus strand). Cytogenetic location: 6p24.3.
Variant type: single nucleotide variant.
Coding change: c.3348T>A on transcript NM_004415.4 (MANE Select); coding-DNA position 3348, T replaced by A.
Protein change: p.Tyr1116Ter; replaces tyrosine 1116 with a stop codon.
Molecular consequence: nonsense.
Genome position (GRCh38, 1-based): chr6:7,579,538, T>A. VCF-style: chr6-7579538-T-A. GRCh37 (hg19) VCF-style: chr6-7579771-T-A.
Other names: c.3348T>A (LRG_423t1); c.3348T>A, p.Tyr1116Ter (NM_001008844.3, NM_001319034.2); short protein forms Y1116*.
Identifiers: ClinVar variation 464962 (VCV000464962.9), dbSNP rs772646601, ClinGen allele CA362683756.

ClinVar aggregate classification (germline): Pathogenic (1 of 4 stars; one submission).

Conditions:
Arrhythmogenic right ventricular dysplasia 8 (ARVD8). Also called: Arrhythmogenic Right Ventricular Dysplasia/Cardiomyopathy 8; ARRHYTHMOGENIC RIGHT VENTRICULAR DYSPLASIA, FAMILIAL, 8; ARRHYTHMOGENIC RIGHT VENTRICULAR CARDIOMYOPATHY 8. Identifiers: MedGen C1843896, MONDO:0011831, OMIM 607450.
Arrhythmogenic cardiomyopathy with wooly hair and keratoderma. Also called: Dilated cardiomyopathy with woolly hair and keratoderma; Arrhythmogenic cardiomyopathy with woolly hair and keratoderma; PALMOPLANTAR KERATODERMA WITH LEFT VENTRICULAR CARDIOMYOPATHY AND WOOLLY HAIR; Carvajal syndrome. Identifiers: Orphanet 65282, MedGen C1854063, MONDO:0011581, OMIM 605676.

Submission:

Labcorp Genetics (formerly Invitae), Labcorp
Classification: Pathogenic for Arrhythmogenic cardiomyopathy with wooly hair and keratoderma; Arrhythmogenic right ventricular dysplasia 8. Last evaluated: 2025-02-28. Review status: criteria provided, single submitter. Criteria: Invitae Variant Classification Sherloc (09022015). Collection method: clinical testing. Allele origin: germline.
Comment: This sequence change creates a premature translational stop signal (p.Tyr1116*) in the DSP gene. It is expected to result in an absent or disrupted protein product. Loss-of-function variants in DSP are known to be pathogenic (PMID: 20716751, 24503780, 25227139). This variant is not present in population databases (gnomAD no frequency). This variant has not been reported in the literature in individuals affected with DSP-related conditions. ClinVar contains an entry for this variant (Variation ID: 464962). For these reasons, this variant has been classified as Pathogenic.

Literature cited by the submitters: PubMed 20716751; PubMed 24503780; PubMed 25227139.